The following is an entry in ClinVar:

ClinVar aggregate classification (germline): Uncertain significance. Review status: criteria provided, multiple submitters, no conflicts (2 of 4 stars). 4 submissions from 4 submitters: Uncertain significance (4). Last evaluated 2025-05-27.

Conditions:
Inborn genetic diseases. Identifiers: MedGen C0950123, MeSH D030342.

Allele frequency attached by ClinVar (database versions not stated): gnomAD 0.00001; TOPMed 0.00001.
gnomAD v4.1: 3 of 1,561,078 alleles (0.00019%); highest among the groups gnomAD compares: African/African-American, 0.0027%; no homozygotes.

Submissions (4):

Labcorp Genetics (formerly Invitae), Labcorp
Classification: Uncertain significance. Last evaluated: 2025-05-27. Review status: criteria provided, single submitter. Criteria: Invitae Variant Classification Sherloc (09022015). Collection method: clinical testing. Allele origin: germline.
Comment: This sequence change replaces alanine, which is neutral and non-polar, with serine, which is neutral and polar, at codon 97 of the WFS1 protein (p.Ala97Ser). The frequency data for this variant in the population databases is considered unreliable, as metrics indicate poor data quality at this position in the gnomAD database. This variant has not been reported in the literature in individuals affected with WFS1-related conditions. ClinVar contains an entry for this variant (Variation ID: 1804590). Invitae Evidence Modeling of protein sequence and biophysical properties (such as structural, functional, and spatial information, amino acid conservation, physicochemical variation, residue mobility, and thermodynamic stability) indicates that this missense variant is not expected to disrupt WFS1 protein function with a negative predictive value of 80%. In summary, the available evidence is currently insufficient to determine the role of this variant in disease. Therefore, it has been classified as a Variant of Uncertain Significance.

Ambry Genetics
Classification: Uncertain significance for Inborn genetic diseases. Last evaluated: 2024-09-27. Review status: criteria provided, single submitter. Criteria: Ambry Variant Classification Scheme 2023. Collection method: clinical testing. Allele origin: germline.

Blueprint Genetics
Classification: Uncertain significance. Last evaluated: 2023-11-21. Review status: criteria provided, single submitter. Criteria: ACMG Guidelines, 2015. Collection method: clinical testing. Allele origin: germline.

GeneDx
Classification: Uncertain significance. Last evaluated: 2022-06-16. Review status: criteria provided, single submitter. Criteria: GeneDx Variant Classification Process June 2021. Collection method: clinical testing. Allele origin: germline. Affected: yes.
Comment: Not observed at significant frequency in large population cohorts (gnomAD); In silico analysis supports that this missense variant does not alter protein structure/function; Has not been previously published as pathogenic or benign to our knowledge

NM_006005.3(WFS1):c.289G>T (p.Ala97Ser)

Gene: WFS1 (wolframin ER transmembrane glycoprotein; plus strand). Cytogenetic location: 4p16.1.
Variant type: single nucleotide variant.
Coding change: c.289G>T on transcript NM_006005.3 (MANE Select); coding-DNA position 289, G replaced by T.
Protein change: p.Ala97Ser; replaces alanine 97 with serine.
Molecular consequence: missense variant.
Genome position (GRCh38, 1-based): chr4:6,287,149, G>T. VCF-style: chr4-6287149-G-T. GRCh37 (hg19) VCF-style: chr4-6288876-G-T.
Other names: c.289G>T, p.Ala97Ser (NM_001145853.1); short protein forms A97S.
Identifiers: ClinVar variation 1804590 (VCV001804590.6), dbSNP rs1047188798, ClinGen allele CA91794041.